The following is an entry in ClinVar:

Conditions:
Breast-ovarian cancer, familial, susceptibility to, 1 (BROVCA1). Also called: BRCA1 Hereditary Breast and Ovarian Cancer; OVARIAN CANCER, SUSCEPTIBILITY TO. Identifiers: Orphanet 145, MedGen C2676676, MONDO:0011450, OMIM 604370. Disease mechanism: loss of function.

Submission:

Brotman Baty Institute, University of Washington
No classification provided (evidence only). Condition: Breast-ovarian cancer, familial 1. Review status: no classification provided. Collection method: in vitro. Allele origin: not applicable. Functional consequence: functionally_normal.
ClinVar note: "not provided" was previously submitted as the classification for the variant. However, the classification appeared to be based only on an observation of functional data so it was converted to no classification on 2025-07-30.

NM_007294.4(BRCA1):c.19C>G (p.Arg7Gly)

Gene: BRCA1 (BRCA1 DNA repair associated; minus strand). Cytogenetic location: 17q21.31.
Variant type: single nucleotide variant.
Coding change: c.19C>G on transcript NM_007294.4 (MANE Select); coding-DNA position 19, C replaced by G.
Protein change: p.Arg7Gly; replaces arginine 7 with glycine.
Molecular consequence: missense variant. On other transcripts: 5 prime UTR variant (1), non-coding transcript variant (1).
Genome position (GRCh38, 1-based): chr17:43,124,078, G>C on the plus strand (C>G on the coding strand, the complement: BRCA1 is on the minus strand). VCF-style: chr17-43124078-G-C. GRCh37 (hg19) VCF-style: chr17-41276095-G-C.
Other names: c.-170C>G (NM_001408493.1, NM_001408502.1, NM_001408506.1 and 46 more transcripts); c.19C>G, p.Arg7Gly (NM_001408494.1, NM_001408495.1, NM_007298.4 and 193 more transcripts); c.-69C>G (NM_001408496.1, NM_001408498.1, NM_007297.4 and 23 more transcripts); c.-246C>G (NM_001408497.1, NM_001407741.1, NM_001407934.1); c.-242C>G (NM_001408499.1, NM_001408500.1, NM_001408503.1 and 22 more transcripts); c.-239C>G (NM_001408501.1, NM_001407694.1, NM_001407724.1 and 11 more transcripts); c.-289C>G (NM_001408513.1, NM_001407917.1, NM_001407954.1); c.-243C>G (NM_001407695.1, NM_001408465.1); and 8 more; short protein forms R7G.
Identifiers: ClinVar variation 869078 (VCV000869078.4), dbSNP rs80356994, ClinGen allele CA10602123.